The following is an entry in ClinVar:

NM_000187.4(HGD):c.11T>A (p.Leu4Ter)

Gene: HGD (homogentisate 1,2-dioxygenase; minus strand). Cytogenetic location: 3q13.33.
Variant type: single nucleotide variant.
Coding change: c.11T>A on transcript NM_000187.4 (MANE Select); coding-DNA position 11, T replaced by A.
Protein change: p.Leu4Ter; replaces leucine 4 with a stop codon.
Molecular consequence: nonsense.
Genome position (GRCh38, 1-based): chr3:120,682,101, A>T on the plus strand (T>A on the coding strand, the complement: HGD is on the minus strand). VCF-style: chr3-120682101-A-T. GRCh37 (hg19) VCF-style: chr3-120400948-A-T.
Other names: short protein forms L4*.
Identifiers: ClinVar variation 188717 (VCV000188717.14), dbSNP rs786204422, ClinGen allele CA277982.

ClinVar aggregate classification (germline): Pathogenic/Likely pathogenic. Review status: criteria provided, multiple submitters, no conflicts (2 of 4 stars). 5 submissions from 5 submitters: Pathogenic (2); Likely pathogenic (1). 2 of the submissions do not count toward it. Last evaluated 2025-04-09.

Conditions:
Alkaptonuria (AKU). Also called: Alcaptonuria; Alkaptonuric ochronosis; HOMOGENTISIC ACID OXIDASE DEFICIENCY; Homogentisic acidura. Identifiers: Orphanet 56, MedGen C0002066, MONDO:0008753, OMIM 203500.

Allele frequency attached by ClinVar (database versions not stated): gnomAD exomes below 0.00001; TOPMed below 0.00001; gnomAD 0.00001.
gnomAD v4.1: 4 of 1,613,882 alleles (0.00025%); highest among the groups gnomAD compares: Non-Finnish European, 0.00025%; no homozygotes.

Submissions (5):

GeneDx
Classification: Pathogenic. Last evaluated: 2025-04-09. Review status: criteria provided, single submitter. Criteria: GeneDx Variant Classification Process June 2021. Collection method: clinical testing. Allele origin: germline. Affected: yes.
Comment: Nonsense variant predicted to result in protein truncation or nonsense mediated decay in a gene for which loss of function is a known mechanism of disease; Not observed at significant frequency in large population cohorts (gnomAD); This variant is associated with the following publications: (PMID: 16085442, 19862842, 12501223)

Fulgent Genetics
Classification: Likely pathogenic for Alkaptonuria. Last evaluated: 2024-04-25. Review status: criteria provided, single submitter. Criteria: ACMG Guidelines, 2015. Collection method: clinical testing. Allele origin: germline.

Labcorp Genetics (formerly Invitae), Labcorp
Classification: Pathogenic for Alkaptonuria. Last evaluated: 2020-09-23. Review status: criteria provided, single submitter. Criteria: Invitae Variant Classification Sherloc (09022015). Collection method: clinical testing. Allele origin: germline.
Comment: This variant has been observed in individual(s) with clinical features of alkaptonuria (PMID: 12501223, 19862842). ClinVar contains an entry for this variant (Variation ID: 188717). For these reasons, this variant has been classified as Pathogenic. Loss-of-function variants in HGD are known to be pathogenic (PMID: 12501223, 19862842). This variant is not present in population databases (ExAC no frequency). This sequence change creates a premature translational stop signal (p.Leu4*) in the HGD gene. It is expected to result in an absent or disrupted protein product.

Counsyl
Classification: Likely pathogenic for Alkaptonuria. Last evaluated: 2014-03-14. Review status: no assertion criteria provided. Collection method: literature only. Allele origin: unknown. Inheritance: Autosomal recessive inheritance. Not counted in ClinVar's aggregate classification.

Department Of Human Genetics, Institute Of Clinical And Translational Research, Biomedical Research Center, Slovak Academy Of Sciences
Classification: Pathogenic for Alkaptonuria. Review status: no assertion criteria provided. Collection method: research. Allele origin: germline. Inheritance: Autosomal recessive inheritance. Affected: yes. Observed: 1 variant allele. Not counted in ClinVar's aggregate classification.
Comment: The variant was originally described in AKU patient in PMID:12501223. It has been submitted to the HGD gene mutation database (DB-ID: AKU_00003).

Literature cited by the submitters: PubMed 12501223 (cited by 3 submitters); PubMed 19862842 (cited by Labcorp Genetics (formerly Invitae), Labcorp and Counsyl); PubMed 16085442 (cited by Counsyl).